The following is an entry in ClinVar:

NM_016341.4(PLCE1):c.5078_5079insGAGGAAAAGG (p.Ser1696fs)

Gene: PLCE1 (phospholipase C epsilon 1; plus strand). Cytogenetic location: 10q23.33.
Variant type: Insertion.
Coding change: c.5078_5079insGAGGAAAAGG on transcript NM_016341.4 (MANE Select); coding-DNA positions 5078 to 5079, GAGGAAAAGG inserted.
Protein change: p.Ser1696fs; shifts the reading frame from serine 1696.
Molecular consequence: frameshift variant.
Genome position: GRCh38 VCF-style: chr10-94293550-A-AGAGGAAAAGG. GRCh37 (hg19) VCF-style: chr10-96053307-A-AGAGGAAAAGG.
Other names: c.4154_4155insGAGGAAAAGG, p.Ser1388fs (NM_001165979.2); c.5030_5031insGAGGAAAAGG, p.Ser1680fs (NM_001288989.2); short protein forms S1388fs, S1680fs, S1696fs.
Identifiers: ClinVar variation 2681758 (VCV002681758.2), dbSNP rs2497049567.

ClinVar aggregate classification (germline): Pathogenic (1 of 4 stars; one submission).

Conditions:
Nephrotic syndrome, type 3 (NPHS3). Also called: NEPHROTIC SYNDROME, EARLY-ONSET, TYPE 3. Identifiers: Orphanet 656, MedGen C1853124, MONDO:0012546, OMIM 610725.

Submission:

Precision Medicine Center, Zhengzhou University
Classification: Pathogenic for Nephrotic syndrome, type 3. Last evaluated: 2023-12-01. Review status: criteria provided, single submitter. Criteria: ACMG Guidelines, 2015. Collection method: clinical testing. Allele origin: paternal. Affected: yes.
Comment: PVS1,PM2_p,PM3,PP4